The following is an entry in ClinVar:

ClinVar aggregate classification (germline): Uncertain significance (1 of 4 stars; one submission).

Conditions:
Immunodeficiency, common variable, 1. Also called: ANTIBODY DEFICIENCY DUE TO ICOS DEFECT. Identifiers: Orphanet 1572, Orphanet 695183, MedGen C3149378, MONDO:0011864, OMIM 607594.

Allele frequency attached by ClinVar (database versions not stated): TOPMed below 0.00001; gnomAD 0.00001.
gnomAD v4.1: 1 of 1,613,676 alleles (0.000062%); highest among the groups gnomAD compares: African/African-American, 0.0013%; no homozygotes.

Submission:

Labcorp Genetics (formerly Invitae), Labcorp
Classification: Uncertain significance for Immunodeficiency, common variable, 1. Last evaluated: 2019-10-30. Review status: criteria provided, single submitter. Criteria: Invitae Variant Classification Sherloc (09022015). Collection method: clinical testing. Allele origin: germline.
Comment: This variant has not been reported in the literature in individuals with ICOS-related conditions. Algorithms developed to predict the effect of missense changes on protein structure and function output the following: SIFT: "Tolerated"; PolyPhen-2: "Benign"; Align-GVGD: "Class C0". The glycine amino acid residue is found in multiple mammalian species, suggesting that this missense change does not adversely affect protein function. These predictions have not been confirmed by published functional studies and their clinical significance is uncertain. In summary, the available evidence is currently insufficient to determine the role of this variant in disease. Therefore, it has been classified as a Variant of Uncertain Significance. This variant is not present in population databases (ExAC no frequency). This sequence change replaces serine with glycine at codon 91 of the ICOS protein (p.Ser91Gly). The serine residue is highly conserved and there is a small physicochemical difference between serine and glycine.

NM_012092.4(ICOS):c.271A>G (p.Ser91Gly)

Gene: ICOS (inducible T cell costimulator; plus strand). Cytogenetic location: 2q33.2.
Variant type: single nucleotide variant.
Coding change: c.271A>G on transcript NM_012092.4 (MANE Select); coding-DNA position 271, A replaced by G.
Protein change: p.Ser91Gly; replaces serine 91 with glycine.
Molecular consequence: missense variant.
Genome position (GRCh38, 1-based): chr2:203,955,848, A>G. VCF-style: chr2-203955848-A-G. GRCh37 (hg19) VCF-style: chr2-204820571-A-G.
Other names: short protein forms S91G.
Identifiers: ClinVar variation 969446 (VCV000969446.9), dbSNP rs1314279149, ClinGen allele CA350140028.